The following is an entry in ClinVar:

NM_000059.4(BRCA2):c.9477del (p.Phe3159fs)

Gene: BRCA2 (BRCA2 DNA repair associated; plus strand). Cytogenetic location: 13q13.1.
Variant type: Deletion.
Coding change: c.9477del on transcript NM_000059.4 (MANE Select); coding-DNA position 9477, one base deleted (C; older notation c.9477delC).
Protein change: p.Phe3159fs; shifts the reading frame from phenylalanine 3159.
Molecular consequence: frameshift variant.
Genome position (GRCh38, 1-based): chr13:32,394,909, C deleted. VCF-style (leftmost placement, unchanged base first): chr13-32394908-TC-T. GRCh37 (hg19) VCF-style: chr13-32969045-TC-T.
Other names: c.9381delC, p.Phe3127Leufs (NM_001406719.1); c.9426delC, p.Phe3142Leufs (NM_001406720.1); c.4545delC, p.Phe1515Leufs (NM_001406721.1); c.3060delC, p.Phe1020Leufs (NM_001406722.1); short protein forms F3159fs.
Identifiers: ClinVar variation 1709250 (VCV001709250.2), dbSNP rs2548562505, ClinGen allele CA2580087381.
Genomic context (GRCh38, chr13:32,394,908, plus strand): 5'-TTGCTGGAGATTTTTCTGTGTTTTCTGCTAGTCCAAAAGAGGGCCACTTTCAAGAGACAT[TC>T]AACAAAATGAAAAATACTGTTGAGGTAAGGTTACTTTTCAGCATCACCACACATTTTGGT-3'

ClinVar aggregate classification (germline): Likely pathogenic (1 of 4 stars; one submission).

Conditions:
Breast-ovarian cancer, familial, susceptibility to, 2 (BROVCA2). Also called: BRCA2 Hereditary Breast and Ovarian Cancer. Identifiers: Orphanet 145, MedGen C2675520, MONDO:0012933, OMIM 612555. Disease mechanism: loss of function.

Submission:

MGZ Medical Genetics Center
Classification: Likely pathogenic for Breast-ovarian cancer, familial, susceptibility to, 2. Last evaluated: 2022-03-09. Review status: criteria provided, single submitter. Criteria: ACMG Guidelines, 2015. Collection method: clinical testing. Allele origin: germline. Affected: yes. Observed: 1 variant allele.
Comment: ACMG criteria applied: PVS1, PM2_SUP